The following is an entry in ClinVar:

NM_001330588.2(TPP2):c.233C>T (p.Thr78Ile)

Gene: TPP2 (tripeptidyl peptidase 2; plus strand). Cytogenetic location: 13q33.1.
Variant type: single nucleotide variant.
Coding change: c.233C>T on transcript NM_001330588.2 (MANE Select); coding-DNA position 233, C replaced by T.
Protein change: p.Thr78Ile; replaces threonine 78 with isoleucine.
Molecular consequence: missense variant. On other transcripts: non-coding transcript variant (1).
Genome position (GRCh38, 1-based): chr13:102,604,860, C>T. VCF-style: chr13-102604860-C-T. GRCh37 (hg19) VCF-style: chr13-103257210-C-T.
Other names: c.233C>T, p.Thr78Ile (NM_001367947.1, NM_003291.4); short protein forms T78I.
Identifiers: ClinVar variation 956392 (VCV000956392.10), dbSNP rs766522848, ClinGen allele CA7037443.

ClinVar aggregate classification (germline): Uncertain significance. Review status: criteria provided, multiple submitters, no conflicts (2 of 4 stars). 2 submissions from 2 submitters: Uncertain significance (2). Last evaluated 2025-05-19.

Conditions:
Inborn genetic diseases. Identifiers: MedGen C0950123, MeSH D030342.
Evans syndrome, immunodeficiency, and premature immunosenescence associated with tripeptidyl-peptidase II deficiency. Identifiers: MedGen CN231723. Disease mechanism: loss of function.

Allele frequency attached by ClinVar (database versions not stated): gnomAD 0.00001; gnomAD exomes 0.00001 and 0.00002; ExAC 0.00002; TOPMed 0.00001.
gnomAD v4.1: 38 of 1,613,990 alleles (0.0024%); highest among the groups gnomAD compares: Non-Finnish European, 0.0031%; no homozygotes.

Submissions (2):

Ambry Genetics
Classification: Uncertain significance for Inborn genetic diseases. Last evaluated: 2025-05-19. Review status: criteria provided, single submitter. Criteria: Ambry Variant Classification Scheme 2023. Collection method: clinical testing. Allele origin: germline.

Labcorp Genetics (formerly Invitae), Labcorp
Classification: Uncertain significance for Evans syndrome, immunodeficiency, and premature immunosenescence associated with tripeptidyl-peptidase II deficiency. Last evaluated: 2019-10-28. Review status: criteria provided, single submitter. Criteria: Invitae Variant Classification Sherloc (09022015). Collection method: clinical testing. Allele origin: germline.
Comment: In summary, the available evidence is currently insufficient to determine the role of this variant in disease. Therefore, it has been classified as a Variant of Uncertain Significance. Algorithms developed to predict the effect of missense changes on protein structure and function are either unavailable or do not agree on the potential impact of this missense change (SIFT: "Deleterious"; PolyPhen-2: "Possibly Damaging"; Align-GVGD: "Class C0"). This variant has not been reported in the literature in individuals with TPP2-related conditions. This variant is present in population databases (rs766522848, ExAC 0.003%). This sequence change replaces threonine with isoleucine at codon 78 of the TPP2 protein (p.Thr78Ile). The threonine residue is highly conserved and there is a moderate physicochemical difference between threonine and isoleucine.